The following is an entry in ClinVar:

NM_000274.4(OAT):c.875A>G (p.Lys292Arg)

Gene: OAT (ornithine aminotransferase; minus strand). Cytogenetic location: 10q26.13.
Variant type: single nucleotide variant.
Coding change: c.875A>G on transcript NM_000274.4 (MANE Select); coding-DNA position 875, A replaced by G.
Protein change: p.Lys292Arg; replaces lysine 292 with arginine.
Molecular consequence: missense variant.
Genome position (GRCh38, 1-based): chr10:124,402,952, T>C on the plus strand (A>G on the coding strand, the complement: OAT is on the minus strand). VCF-style: chr10-124402952-T-C. GRCh37 (hg19) VCF-style: chr10-126091521-T-C.
Other names: c.461A>G, p.Lys154Arg (NM_001171814.2); c.875A>G, p.Lys292Arg (NM_001322965.2, NM_001322966.2, NM_001322967.2 and 3 more transcripts); c.554A>G, p.Lys185Arg (NM_001322971.2); c.275A>G, p.Lys92Arg (NM_001322974.2); short protein forms K292R, K154R, K185R, K92R.
Identifiers: ClinVar variation 374146 (VCV000374146.4), dbSNP rs1057518927, ClinGen allele CA16043446.

ClinVar aggregate classification (germline): Likely pathogenic. Review status: criteria provided, single submitter (1 of 4 stars). 2 submissions from 1 submitter: Likely pathogenic (2). Last evaluated 2016-01-01.

Conditions:
Optic atrophy. Identifiers: MedGen C0029124, MONDO:0003608, HP:0000648.
Abnormal choroid morphology. Also called: Abnormality of the choroid. Identifiers: MedGen C4025836, MONDO:0001898, HP:0000610.
Visual field defect. Identifiers: MedGen C3887875, HP:0001123.
Pain. Identifiers: MedGen C0030193, HP:0012531.
Ornithine aminotransferase deficiency (GACR). Also called: Ornithine ketoacid aminotransferase deficiency; Gyrate atrophy; Gyrate atrophy of choroid and retina; Girate atrophy of the retina; HYPERORNITHINEMIA WITH GYRATE ATROPHY OF CHOROID AND RETINA; OAT DEFICIENCY. Identifiers: Orphanet 414, MedGen C0018425, MONDO:0009796, OMIM 258870.

Submissions (2):

Centre for Mendelian Genomics, University Medical Centre Ljubljana
Classification: Likely pathogenic for Ornithine aminotransferase deficiency. Last evaluated: 2016-01-01. Review status: criteria provided, single submitter. Criteria: ACMG Guidelines, 2015. Collection method: clinical testing. Allele origin: unknown. Affected: yes.
Comment: This variant was classified as: Likely pathogenic. This variant was detected in homozygous state.

Centre for Mendelian Genomics, University Medical Centre Ljubljana
Classification: Likely pathogenic for Abnormal choroid morphology; Optic atrophy; Pain; Visual field defect. Last evaluated: 2015-01-14. Review status: criteria provided, single submitter. Criteria: ACMG Guidelines, 2015. Collection method: clinical testing. Allele origin: unknown. Affected: yes.